The following is an entry in ClinVar:

NM_000094.4(COL7A1):c.241A>G (p.Thr81Ala)

Gene: COL7A1 (collagen type VII alpha 1 chain; minus strand). Cytogenetic location: 3p21.31.
Variant type: single nucleotide variant.
Coding change: c.241A>G on transcript NM_000094.4 (MANE Select); coding-DNA position 241, A replaced by G.
Protein change: p.Thr81Ala; replaces threonine 81 with alanine.
Molecular consequence: missense variant.
Genome position (GRCh38, 1-based): chr3:48,594,393, T>C on the plus strand (A>G on the coding strand, the complement: COL7A1 is on the minus strand). VCF-style: chr3-48594393-T-C. GRCh37 (hg19) VCF-style: chr3-48631826-T-C.
Other names: short protein forms T81A.
Identifiers: ClinVar variation 4703314 (VCV004703314.1).

ClinVar aggregate classification (germline): Uncertain significance (1 of 4 stars; one submission).

gnomAD v4.1: 1 of 1,611,366 alleles (0.000062%); no homozygotes.

Submission:

Labcorp Genetics (formerly Invitae), Labcorp
Classification: Uncertain significance. Last evaluated: 2025-11-01. Review status: criteria provided, single submitter. Criteria: Invitae Variant Classification Sherloc (09022015). Collection method: clinical testing. Allele origin: germline.
Comment: This sequence change replaces threonine, which is neutral and polar, with alanine, which is neutral and non-polar, at codon 81 of the COL7A1 protein (p.Thr81Ala). This variant is not present in population databases (gnomAD no frequency). This variant has not been reported in the literature in individuals affected with COL7A1-related conditions. Invitae Evidence Modeling of protein sequence and biophysical properties (such as structural, functional, and spatial information, amino acid conservation, physicochemical variation, residue mobility, and thermodynamic stability) indicates that this missense variant is not expected to disrupt COL7A1 protein function with a negative predictive value of 95%. In summary, the available evidence is currently insufficient to determine the role of this variant in disease. Therefore, it has been classified as a Variant of Uncertain Significance.